The following is an entry in ClinVar:

ClinVar aggregate classification (germline): Uncertain significance (1 of 4 stars; one submission).

Conditions:
Familial renal glucosuria (GLYS). Also called: RENAL GLUCOSURIA, AUTOSOMAL DOMINANT; Familial renal glycosuria. Identifiers: Orphanet 69076, MedGen C3245525, MONDO:0009297, OMIM 233100.

Allele frequency attached by ClinVar (database versions not stated): TOPMed below 0.00001; ExAC 0.00001.

Submission:

MVZ Medizinische Genetik Mainz
Classification: Uncertain significance for Familial renal glucosuria. Last evaluated: 2023-11-17. Review status: criteria provided, single submitter. Criteria: UK Practice Guidelines For Variant Classification V4 01 2020. Collection method: clinical testing. Allele origin: germline. Inheritance: Autosomal dominant inheritance. Affected: yes. Observed: 1 variant allele.
Comment: ACMG Criteria: PM3,PM2_SUP,PP4

NM_003041.4(SLC5A2):c.1163C>T (p.Ala388Val)

Gene: SLC5A2 (solute carrier family 5 member 2; plus strand). Cytogenetic location: 16p11.2.
Variant type: single nucleotide variant.
Coding change: c.1163C>T on transcript NM_003041.4 (MANE Select); coding-DNA position 1163, C replaced by T.
Protein change: p.Ala388Val; replaces alanine 388 with valine.
Molecular consequence: missense variant.
Genome position (GRCh38, 1-based): chr16:31,488,655, C>T. VCF-style: chr16-31488655-C-T. GRCh37 (hg19) VCF-style: chr16-31499976-C-T.
Other names: short protein forms A388V.
Identifiers: ClinVar variation 3236792 (VCV003236792.1), dbSNP rs752157404.